The following is an entry in ClinVar:

NM_007315.4(STAT1):c.1170G>A (p.Met390Ile)

Gene: STAT1 (signal transducer and activator of transcription 1; minus strand). Cytogenetic location: 2q32.2.
Variant type: single nucleotide variant.
Coding change: c.1170G>A on transcript NM_007315.4 (MANE Select); coding-DNA position 1170, G replaced by A.
Protein change: p.Met390Ile; replaces methionine 390 with isoleucine.
Molecular consequence: missense variant.
Genome position (GRCh38, 1-based): chr2:190,986,905, C>T on the plus strand (G>A on the coding strand, the complement: STAT1 is on the minus strand). VCF-style: chr2-190986905-C-T. GRCh37 (hg19) VCF-style: chr2-191851631-C-T.
Other names: c.1110G>A, p.Met370Ile (NM_001384880.1); c.1176G>A, p.Met392Ile (NM_001384881.1, NM_001384884.1); c.1164G>A, p.Met388Ile (NM_001384882.1); c.1071G>A, p.Met357Ile (NM_001384883.1); c.1011G>A, p.Met337Ile (NM_001384885.1); c.1170G>A, p.Met390Ile (NM_001384886.1, NM_001384889.1, NM_139266.3); c.1077G>A, p.Met359Ile (NM_001384887.1); c.1140G>A, p.Met380Ile (NM_001384888.1); and 2 more; short protein forms M337I, M360I, M380I, M388I, M390I, M359I, M402I, M357I.
Identifiers: ClinVar variation 2203237 (VCV002203237.4), dbSNP rs2470465401, ClinGen allele CA349919063.

ClinVar aggregate classification (germline): Uncertain significance (1 of 4 stars; one submission).

Conditions:
Immunodeficiency 31B. Also called: STAT1 DEFICIENCY, AUTOSOMAL RECESSIVE; IMMUNODEFICIENCY 31B, MYCOBACTERIAL AND VIRAL INFECTIONS, AUTOSOMAL RECESSIVE. Identifiers: Orphanet 391311, MedGen C3151088, MONDO:0013427, OMIM 613796.
Autoimmune enteropathy and endocrinopathy - susceptibility to chronic infections syndrome. Also called: Immunodeficiency 31C, autosomal dominant; Immunodeficiency 31C. Identifiers: Orphanet 391487, MedGen C3279990, MONDO:0013599, OMIM 614162.
Mendelian susceptibility to mycobacterial diseases due to partial STAT1 deficiency. Also called: IMMUNODEFICIENCY 31A, MYCOBACTERIOSIS, AUTOSOMAL DOMINANT; STAT1 DEFICIENCY, AUTOSOMAL DOMINANT; Immunodeficiency 31a. Identifiers: Orphanet 319595, MedGen C4013950, MONDO:0013956, OMIM 614892.

Submission:

Labcorp Genetics (formerly Invitae), Labcorp
Classification: Uncertain significance for Mendelian susceptibility to mycobacterial diseases due to partial STAT1 deficiency; Immunodeficiency 31B; Autoimmune enteropathy and endocrinopathy - susceptibility to chronic infections syndrome. Last evaluated: 2022-08-22. Review status: criteria provided, single submitter. Criteria: Invitae Variant Classification Sherloc (09022015). Collection method: clinical testing. Allele origin: germline.
Comment: In summary, the available evidence is currently insufficient to determine the role of this variant in disease. Therefore, it has been classified as a Variant of Uncertain Significance. Algorithms developed to predict the effect of sequence changes on RNA splicing suggest that this variant may disrupt the consensus splice site. Algorithms developed to predict the effect of missense changes on protein structure and function are either unavailable or do not agree on the potential impact of this missense change (SIFT: "Tolerated"; PolyPhen-2: "Possibly Damaging"; Align-GVGD: "Class C0"). This missense change has been observed in individual(s) with chronic mucocutaneous candidiasis (PMID: 27114460). This variant is not present in population databases (gnomAD no frequency). This sequence change replaces methionine, which is neutral and non-polar, with isoleucine, which is neutral and non-polar, at codon 390 of the STAT1 protein (p.Met390Ile).

Literature cited by the submitters: PubMed 27114460.